The following is an entry in ClinVar:

NM_000124.4(ERCC6):c.2372G>A (p.Gly791Glu)

Gene: ERCC6 (ERCC excision repair 6, chromatin remodeling factor; minus strand). Cytogenetic location: 10q11.23.
Variant type: single nucleotide variant.
Coding change: c.2372G>A on transcript NM_000124.4 (MANE Select); coding-DNA position 2372, G replaced by A.
Protein change: p.Gly791Glu; replaces glycine 791 with glutamic acid.
Molecular consequence: missense variant.
Genome position (GRCh38, 1-based): chr10:49,476,225, C>T on the plus strand (G>A on the coding strand, the complement: ERCC6 is on the minus strand). VCF-style: chr10-49476225-C-T. GRCh37 (hg19) VCF-style: chr10-50684271-C-T.
Other names: c.2372G>A, p.Gly791Glu (NM_001346440.2); short protein forms G791E.
Identifiers: ClinVar variation 1493897 (VCV001493897.8), dbSNP rs2132544234, ClinGen allele CA376722325.

ClinVar aggregate classification (germline): Uncertain significance (1 of 4 stars; one submission).

Submission:

Labcorp Genetics (formerly Invitae), Labcorp
Classification: Uncertain significance. Last evaluated: 2021-12-03. Review status: criteria provided, single submitter. Criteria: Invitae Variant Classification Sherloc (09022015). Collection method: clinical testing. Allele origin: germline.
Comment: This sequence change replaces glycine, which is neutral and non-polar, with glutamic acid, which is acidic and polar, at codon 791 of the ERCC6 protein (p.Gly791Glu). This variant is not present in population databases (gnomAD no frequency). This variant has not been reported in the literature in individuals affected with ERCC6-related conditions. Algorithms developed to predict the effect of missense changes on protein structure and function (SIFT, PolyPhen-2, Align-GVGD) all suggest that this variant is likely to be disruptive. In summary, the available evidence is currently insufficient to determine the role of this variant in disease. Therefore, it has been classified as a Variant of Uncertain Significance.